The following is an entry in ClinVar:

ClinVar aggregate classification (germline): Uncertain significance (1 of 4 stars; one submission).

Conditions:
Bethlem myopathy 1A. Also called: Bethlem myopathy 1; MYOPATHY, BENIGN CONGENITAL, WITH CONTRACTURES; Bethlem Muscular Dystrophy. Identifiers: Orphanet 610, MedGen CN029274, MONDO:0024530, OMIM 158810.

Allele frequency attached by ClinVar (database versions not stated): gnomAD exomes below 0.00001.
gnomAD v4.1: 1 of 1,608,728 alleles (0.000062%); highest among the groups gnomAD compares: Middle Eastern, 0.017%; no homozygotes.

Submission:

Labcorp Genetics (formerly Invitae), Labcorp
Classification: Uncertain significance for Bethlem myopathy 1A. Last evaluated: 2024-02-26. Review status: criteria provided, single submitter. Criteria: Invitae Variant Classification Sherloc (09022015). Collection method: clinical testing. Allele origin: germline.
Comment: This sequence change replaces lysine, which is basic and polar, with glutamic acid, which is acidic and polar, at codon 849 of the COL6A1 protein (p.Lys849Glu). This variant is not present in population databases (gnomAD no frequency). This variant has not been reported in the literature in individuals affected with COL6A1-related conditions. Advanced modeling of protein sequence and biophysical properties (such as structural, functional, and spatial information, amino acid conservation, physicochemical variation, residue mobility, and thermodynamic stability) performed at Invitae indicates that this missense variant is not expected to disrupt COL6A1 protein function with a negative predictive value of 95%. In summary, the available evidence is currently insufficient to determine the role of this variant in disease. Therefore, it has been classified as a Variant of Uncertain Significance.

NM_001848.3(COL6A1):c.2545A>G (p.Lys849Glu)

Gene: COL6A1 (collagen type VI alpha 1 chain; plus strand). Cytogenetic location: 21q22.3.
Variant type: single nucleotide variant.
Coding change: c.2545A>G on transcript NM_001848.3 (MANE Select); coding-DNA position 2545, A replaced by G.
Protein change: p.Lys849Glu; replaces lysine 849 with glutamic acid.
Molecular consequence: missense variant.
Genome position (GRCh38, 1-based): chr21:46,003,471, A>G. VCF-style: chr21-46003471-A-G. GRCh37 (hg19) VCF-style: chr21-47423385-A-G.
Other names: short protein forms K849E.
Identifiers: ClinVar variation 2824316 (VCV002824316.3), dbSNP rs2526353984, ClinGen allele CA410539490.